The following is an entry in ClinVar:

ClinVar aggregate classification (germline): Uncertain significance (1 of 4 stars; one submission).

Conditions:
Breast-ovarian cancer, familial, susceptibility to, 1 (BROVCA1). Also called: BRCA1 Hereditary Breast and Ovarian Cancer; OVARIAN CANCER, SUSCEPTIBILITY TO. Identifiers: Orphanet 145, MedGen C2676676, MONDO:0011450, OMIM 604370. Disease mechanism: loss of function.

Submission:

All of Us Research Program, National Institutes of Health
Classification: Uncertain significance for Breast-ovarian cancer, familial, susceptibility to, 1. Last evaluated: 2023-11-20. Review status: criteria provided, single submitter. Criteria: ACMG Guidelines, 2015. Collection method: clinical testing. Allele origin: germline. Inheritance: Autosomal dominant inheritance. Observed: 1 variant allele, 1 heterozygote.
Comment: This missense variant replaces methionine with leucine at codon 1137 of the BRCA1 protein. Computational prediction suggests that this variant may not impact protein structure and function. To our knowledge, functional studies have not been reported for this variant. This variant has not been reported in individuals affected with BRCA1-related disorders in the literature. This variant has not been identified in the general population by the Genome Aggregation Database (gnomAD). The available evidence is insufficient to determine the role of this variant in disease conclusively. Therefore, this variant is classified as a Variant of Uncertain Significance.

This study involves interpretation of variants in research participants for the purpose of population health screening. Participant phenotype was not available at the time of variant classification. Additional details can be found in publication PMID: 35346344, PMCID: PMC8962531

NM_007294.4(BRCA1):c.3409A>T (p.Met1137Leu)

Genes: BRCA1 (BRCA1 DNA repair associated; minus strand), LOC126862571 (BRD4-independent group 4 enhancer GRCh37_chr17:41243136-41244335; plus strand). Cytogenetic location: 17q21.31.
Variant type: single nucleotide variant.
Coding change: c.3409A>T on transcript NM_007294.4 (MANE Select); coding-DNA position 3409, A replaced by T.
Protein change: p.Met1137Leu; replaces methionine 1137 with leucine.
Molecular consequence: missense variant. On other transcripts: intron variant (135).
Genome position (GRCh38, 1-based): chr17:43,092,122, T>A on the plus strand (A>T on the coding strand, the complement: BRCA1 is on the minus strand). VCF-style: chr17-43092122-T-A. GRCh37 (hg19) VCF-style: chr17-41244139-T-A.
Other names: c.3196A>T, p.Met1066Leu (NM_001407571.1, NM_001407853.1, NM_001407894.1 and 9 more transcripts); c.3409A>T, p.Met1137Leu (NM_001407581.1, NM_001407582.1, NM_001407583.1 and 30 more transcripts); c.3406A>T, p.Met1136Leu (NM_001407587.1, NM_001407590.1, NM_001407591.1 and 22 more transcripts); c.3400A>T, p.Met1134Leu (NM_001407646.1, NM_001407647.1); c.3286A>T, p.Met1096Leu (NM_001407648.1, NM_001407664.1, NM_001407665.1 and 19 more transcripts); c.3283A>T, p.Met1095Leu (NM_001407649.1, NM_001407670.1, NM_001407671.1 and 11 more transcripts); c.3331A>T, p.Met1111Leu (NM_001407653.1, NM_001407654.1, NM_001407655.1 and 4 more transcripts); c.3328A>T, p.Met1110Leu (NM_001407659.1, NM_001407660.1, NM_001407661.1 and 1 more transcripts); and 41 more; short protein forms M1009L, M1010L, M1025L, M1026L, M1048L, M1049L, M1066L, M1067L.
Identifiers: ClinVar variation 3074567 (VCV003074567.1), dbSNP rs771479616, ClinGen allele CA10595162.
Genomic context (GRCh38, chr17:43,092,122, plus strand): 5'-CATCATCTAACAGGTCATCAGGTGTCTCAGAACAAACCTGAGATGCATGACTACTTCCCA[T>A]AGGCTGTTCTAAGTTATCTGAAATCAGATATGGAGAGAAATCTGTATTAACAGTCTGAAC-3'
Protein context (NP_009225.1, residues 1127-1147): YLISDNLEQP[Met1137Leu]GSSHASQVCS